The following is an entry in ClinVar:

NM_000321.3(RB1):c.1731G>T (p.Lys577Asn)

Gene: RB1 (RB transcriptional corepressor 1; plus strand). Cytogenetic location: 13q14.2.
Variant type: single nucleotide variant.
Coding change: c.1731G>T on transcript NM_000321.3 (MANE Select); coding-DNA position 1731, G replaced by T.
Protein change: p.Lys577Asn; replaces lysine 577 with asparagine.
Molecular consequence: missense variant.
Genome position (GRCh38, 1-based): chr13:48,453,028, G>T. VCF-style: chr13-48453028-G-T. GRCh37 (hg19) VCF-style: chr13-49027164-G-T.
Other names: short protein forms K577N.
Identifiers: ClinVar variation 841431 (VCV000841431.11), dbSNP rs1949337837, ClinGen allele CA388165500.
Genomic context (GRCh38, chr13:48,453,028, plus strand): 5'-TTTAATTTCATCATGTTTCATATAGGATTCACCTTTATTTGATCTTATTAAACAATCAAA[G>T]GACCGAGAAGGACCAACTGATCACCTTGAATCTGCTTGTCCTCTTAATCTTCCTCTCCAG-3'
Protein context (NP_000312.2, residues 567-587): SPLFDLIKQS[Lys577Asn]DREGPTDHLE

ClinVar aggregate classification (germline): Uncertain significance. Review status: criteria provided, multiple submitters, no conflicts (2 of 4 stars). 2 submissions from 2 submitters: Uncertain significance (2). Last evaluated 2023-05-15.

Conditions:
Retinoblastoma (RB1). Also called: RETINOBLASTOMA, SOMATIC. Identifiers: Orphanet 790, MedGen C0035335, MeSH D012175, MONDO:0008380, OMIM 180200, HP:0009919. Disease mechanism: loss of function. Inheritance: Both sporadic and heritable forms are tested..
Hereditary cancer-predisposing syndrome. Also called: Hereditary Cancer Syndrome; Hereditary neoplastic syndrome; Tumor predisposition; Neoplastic Syndromes, Hereditary. Identifiers: Orphanet 140162, MedGen C0027672, MeSH D009386, MONDO:0015356.

Submissions (2):

Ambry Genetics
Classification: Uncertain significance for Hereditary cancer-predisposing syndrome. Last evaluated: 2023-05-15. Review status: criteria provided, single submitter. Criteria: Ambry Variant Classification Scheme 2023. Collection method: clinical testing. Allele origin: germline.
Comment: The p.K577N variant (also known as c.1731G>T), located in coding exon 18 of the RB1 gene, results from a G to T substitution at nucleotide position 1731. The lysine at codon 577 is replaced by asparagine, an amino acid with similar properties. This amino acid position is well conserved in available vertebrate species. In addition, this alteration is predicted to be tolerated by in silico analysis. Since supporting evidence is limited at this time, the clinical significance of this alteration remains unclear.

Labcorp Genetics (formerly Invitae), Labcorp
Classification: Uncertain significance for Retinoblastoma. Last evaluated: 2019-02-04. Review status: criteria provided, single submitter. Criteria: Invitae Variant Classification Sherloc (09022015). Collection method: clinical testing. Allele origin: germline.
Comment: In summary, the available evidence is currently insufficient to determine the role of this variant in disease. Therefore, it has been classified as a Variant of Uncertain Significance. Algorithms developed to predict the effect of missense changes on protein structure and function are either unavailable or do not agree on the potential impact of this missense change (SIFT: "Deleterious"; PolyPhen-2: "Benign"; Align-GVGD: "Class C15"). This variant has not been reported in the literature in individuals with RB1-related conditions. This variant is not present in population databases (ExAC no frequency). This sequence change replaces lysine with asparagine at codon 577 of the RB1 protein (p.Lys577Asn). The lysine residue is highly conserved and there is a moderate physicochemical difference between lysine and asparagine.